The following is an entry in ClinVar:

ClinVar aggregate classification (germline): Uncertain significance. Review status: criteria provided, single submitter (1 of 4 stars). 2 submissions from 2 submitters: Uncertain significance (1). 1 of the submissions does not count toward it. Last evaluated 2022-02-08.

Conditions:
Deficiency of alpha-mannosidase (MANSA). Also called: Alpha-Mannosidosis; Mannosidosis, alpha-, types I and II; LYSOSOMAL ALPHA-D-MANNOSIDASE DEFICIENCY. Identifiers: Orphanet 61, MedGen C0024748, MONDO:0009561, OMIM 248500.

Allele frequency attached by ClinVar (database versions not stated): ExAC 0.00001; TOPMed 0.00002; ESP Exome Variant Server 0.00008.
gnomAD v4.1: 7 of 1,613,728 alleles (0.00043%); highest among the groups gnomAD compares: African/African-American, 0.0067%; no homozygotes.

Submissions (2):

Labcorp Genetics (formerly Invitae), Labcorp
Classification: Uncertain significance for Deficiency of alpha-mannosidase. Last evaluated: 2022-02-08. Review status: criteria provided, single submitter. Criteria: Invitae Variant Classification Sherloc (09022015). Collection method: clinical testing. Allele origin: germline.
Comment: This sequence change replaces glycine, which is neutral and non-polar, with arginine, which is basic and polar, at codon 833 of the MAN2B1 protein (p.Gly833Arg). This variant is present in population databases (rs144244650, gnomAD 0.008%). This variant has not been reported in the literature in individuals affected with MAN2B1-related conditions. ClinVar contains an entry for this variant (Variation ID: 1039948). Algorithms developed to predict the effect of missense changes on protein structure and function (SIFT, PolyPhen-2, Align-GVGD) all suggest that this variant is likely to be tolerated. In summary, the available evidence is currently insufficient to determine the role of this variant in disease. Therefore, it has been classified as a Variant of Uncertain Significance.

Natera, Inc.
Classification: Uncertain significance for Alpha-mannosidosis. Last evaluated: 2020-06-04. Review status: no assertion criteria provided. Collection method: clinical testing. Allele origin: germline. Not counted in ClinVar's aggregate classification.

NM_000528.4(MAN2B1):c.2497G>C (p.Gly833Arg)

Gene: MAN2B1 (mannosidase alpha class 2B member 1; minus strand). Cytogenetic location: 19p13.13.
Variant type: single nucleotide variant.
Coding change: c.2497G>C on transcript NM_000528.4 (MANE Select); coding-DNA position 2497, G replaced by C.
Protein change: p.Gly833Arg; replaces glycine 833 with arginine.
Molecular consequence: missense variant.
Genome position (GRCh38, 1-based): chr19:12,648,342, C>G on the plus strand (G>C on the coding strand, the complement: MAN2B1 is on the minus strand). VCF-style: chr19-12648342-C-G. GRCh37 (hg19) VCF-style: chr19-12759156-C-G.
Other names: c.2494G>C, p.Gly832Arg (NM_001173498.2); short protein forms G832R, G833R.
Identifiers: ClinVar variation 1039948 (VCV001039948.6), dbSNP rs144244650, ClinGen allele CA9225998.
Genomic context (GRCh38, chr19:12,648,342, plus strand): 5'-CTGCAGCCTGGGCTGTGTCCAGCAGCACCAGGTGGCGCCCTCGCACCCACGCCCCCGACC[C>G]GTTCTCCATTAGTGGCTCCGATACTCCGCGTCCATCGTCCTTCAGCAGCCTTCGGTGCAC-3'
Protein context (NP_000519.2, residues 823-843): RGVSEPLMEN[Gly833Arg]SGAWVRGRHL